The following is an entry in ClinVar:

NM_001972.4(ELANE):c.513G>T (p.Glu171Asp)

Gene: ELANE (elastase, neutrophil expressed; plus strand). Cytogenetic location: 19p13.3.
Variant type: single nucleotide variant.
Coding change: c.513G>T on transcript NM_001972.4 (MANE Select); coding-DNA position 513, G replaced by T.
Protein change: p.Glu171Asp; replaces glutamic acid 171 with aspartic acid.
Molecular consequence: missense variant.
Genome position (GRCh38, 1-based): chr19:855,710, G>T. VCF-style: chr19-855710-G-T. GRCh37 (hg19) VCF-style: chr19-855710-G-T.
Other names: short protein forms E171D.
Identifiers: ClinVar variation 2068599 (VCV002068599.5), dbSNP rs779008936, ClinGen allele CA9026081.
Genomic context (GRCh38, chr19:855,710, plus strand): 5'-CCTGGCCATGGGCTGGGGCCTTCTGGGCAGGAACCGTGGGATCGCCAGCGTCCTGCAGGA[G>T]CTCAACGTGACGGTGGTGACGTCCCTCTGCCGTCGCAGCAACGTCTGCACTCTCGTGAGG-3'
Protein context (NP_001963.1, residues 161-181): RNRGIASVLQ[Glu171Asp]LNVTVVTSLC

ClinVar aggregate classification (germline): Uncertain significance. Review status: criteria provided, multiple submitters, no conflicts (2 of 4 stars). 2 submissions from 2 submitters: Uncertain significance (2). Last evaluated 2025-05-25.

Conditions:
Neutropenia, severe congenital, 1, autosomal dominant. Identifiers: MedGen C1859966, MONDO:0042490, OMIM 202700.
Cyclical neutropenia. Also called: Cyclic hematopoiesis; Cyclic Neutropenia. Identifiers: Orphanet 2686, MedGen C0221023, MONDO:0008090, OMIM 162800, HP:0040289. Disease mechanism: loss of function.
Inborn genetic diseases. Identifiers: MedGen C0950123, MeSH D030342.

Allele frequency attached by ClinVar (database versions not stated): gnomAD exomes below 0.00001.
gnomAD v4.1: 1 of 1,609,994 alleles (0.000062%); no homozygotes.

Submissions (2):

Ambry Genetics
Classification: Uncertain significance for Inborn genetic diseases. Last evaluated: 2025-05-25. Review status: criteria provided, single submitter. Criteria: Ambry Variant Classification Scheme 2023. Collection method: clinical testing. Allele origin: germline.
Comment: The p.E171D variant (also known as c.513G>T), located in coding exon 4 of the ELANE gene, results from a G to T substitution at nucleotide position 513. The glutamic acid at codon 171 is replaced by aspartic acid, an amino acid with highly similar properties. This amino acid position is conserved. In addition, the in silico prediction for this alteration is inconclusive. Based on the available evidence, the clinical significance of this variant remains unclear.

Labcorp Genetics (formerly Invitae), Labcorp
Classification: Uncertain significance for Neutropenia, severe congenital, 1, autosomal dominant; Cyclical neutropenia. Last evaluated: 2022-07-01. Review status: criteria provided, single submitter. Criteria: Invitae Variant Classification Sherloc (09022015). Collection method: clinical testing. Allele origin: germline.
Comment: In summary, the available evidence is currently insufficient to determine the role of this variant in disease. Therefore, it has been classified as a Variant of Uncertain Significance. Algorithms developed to predict the effect of missense changes on protein structure and function are either unavailable or do not agree on the potential impact of this missense change (SIFT: "Deleterious"; PolyPhen-2: "Possibly Damaging"; Align-GVGD: "Class C15"). This variant has not been reported in the literature in individuals affected with ELANE-related conditions. This variant is not present in population databases (gnomAD no frequency). This sequence change replaces glutamic acid, which is acidic and polar, with aspartic acid, which is acidic and polar, at codon 171 of the ELANE protein (p.Glu171Asp).